The following is an entry in ClinVar:

ClinVar aggregate classification (germline): Pathogenic/Likely pathogenic. Review status: criteria provided, multiple submitters, no conflicts (2 of 4 stars). 3 submissions from 3 submitters: Pathogenic (2); Likely pathogenic (1). Last evaluated 2025-12-08.

Conditions:
Jeune thoracic dystrophy. Also called: Jeune syndrome; Infantile thoracic dystrophy; Thoracic pelvic phalangeal dystrophy; Jeune's syndrome; Chondroectodermal dysplasia-like syndrome; Short-rib thoracic dysplasia. Identifiers: Orphanet 474, MedGen C0265275, MONDO:0018770.
Asphyxiating thoracic dystrophy 3. Also called: SHORT-RIB THORACIC DYSPLASIA 3/6 WITH POLYDACTYLY, DIGENIC; Saldino-Noonan Syndrome; SHORT-RIB THORACIC DYSPLASIA 3 WITH OR WITHOUT POLYDACTYLY; POLYDACTYLY WITH NEONATAL CHONDRODYSTROPHY, TYPE I; Short rib polydactyly syndrome 2B. Identifiers: Orphanet 474, Orphanet 93269, Orphanet 93270, Orphanet 93271, MedGen C0036069, MONDO:0013127, OMIM 613091.

Submissions (3):

Labcorp Genetics (formerly Invitae), Labcorp
Classification: Pathogenic for Jeune thoracic dystrophy. Last evaluated: 2025-12-08. Review status: criteria provided, single submitter. Criteria: Invitae Variant Classification Sherloc (09022015). Collection method: clinical testing. Allele origin: germline.
Comment: This sequence change creates a premature translational stop signal (p.Glu2150*) in the DYNC2H1 gene. It is expected to result in an absent or disrupted protein product. Loss-of-function variants in DYNC2H1 are known to be pathogenic (PMID: 23339108, 32753734, 33755199). This variant is not present in population databases (gnomAD no frequency). This variant has not been reported in the literature in individuals affected with DYNC2H1-related conditions. ClinVar contains an entry for this variant (Variation ID: 3779300). For these reasons, this variant has been classified as Pathogenic.

Myriad Genetics, Inc.
Classification: Pathogenic for Asphyxiating thoracic dystrophy 3. Last evaluated: 2024-10-05. Review status: criteria provided, single submitter. Criteria: Myriad Autosomal Dominant, Autosomal Recessive and X-Linked Classification Criteria (2023). Collection method: clinical testing. Allele origin: unknown.
Comment: NM_001377.2(DYNC2H1):c.6448G>T(E2150*) is expected to be pathogenic in the context of DYNC2H1-related disorders. This variant is predicted to lead to an abnormal or absent protein product due to the creation of a premature termination codon in DYNC2H1, a gene where loss-of-function variants are known to be pathogenic. Please note: this variant was assessed in the context of healthy population screening.

Department of Pathology and Laboratory Medicine, Sinai Health System
Classification: Likely pathogenic for asphyxiating thoracic dystrophy 3. Last evaluated: 2021-09-16. Review status: criteria provided, single submitter. Criteria: ACMG Guidelines, 2015. Collection method: research. Allele origin: germline.

Literature cited by the submitters: PubMed 23339108 (cited by Labcorp Genetics (formerly Invitae), Labcorp); PubMed 32753734 (cited by Labcorp Genetics (formerly Invitae), Labcorp); PubMed 33755199 (cited by Labcorp Genetics (formerly Invitae), Labcorp).

NM_001377.3(DYNC2H1):c.6448G>T (p.Glu2150Ter)

Gene: DYNC2H1 (dynein cytoplasmic 2 heavy chain 1; plus strand). Cytogenetic location: 11q22.3.
Variant type: single nucleotide variant.
Coding change: c.6448G>T on transcript NM_001377.3 (MANE Select); coding-DNA position 6448, G replaced by T.
Protein change: p.Glu2150Ter; replaces glutamic acid 2150 with a stop codon.
Molecular consequence: nonsense.
Genome position (GRCh38, 1-based): chr11:103,181,857, G>T. VCF-style: chr11-103181857-G-T. GRCh37 (hg19) VCF-style: chr11-103052586-G-T.
Other names: c.6448G>T, p.Glu2150Ter (NM_001080463.2); short protein forms E2150*.
Identifiers: ClinVar variation 3779300 (VCV003779300.3).
Genomic context (GRCh38, chr11:103,181,857, plus strand): 5'-TTGAGGAATCAGCCTGCTGAATATAGAAATAATCTTGAAAATTGGATTGGAGATTATTTT[G>T]AAAAGGCTTTACAATGGGTTCTAAAGCAGGTAAATTAACCATAATATTTCATAATTAATC-3'